The following is an entry in ClinVar:

NM_000245.4(MET):c.2477T>C (p.Ile826Thr)

Gene: MET (MET proto-oncogene, receptor tyrosine kinase; plus strand). Cytogenetic location: 7q31.2.
Variant type: single nucleotide variant.
Coding change: c.2477T>C on transcript NM_000245.4 (MANE Select); coding-DNA position 2477, T replaced by C.
Protein change: p.Ile826Thr; replaces isoleucine 826 with threonine.
Molecular consequence: missense variant.
Genome position (GRCh38, 1-based): chr7:116,763,162, T>C. VCF-style: chr7-116763162-T-C. GRCh37 (hg19) VCF-style: chr7-116403216-T-C.
Other names: c.2531T>C, p.Ile844Thr (NM_001127500.3); c.2477T>C, p.Ile826Thr (NM_001324401.3); c.1187T>C, p.Ile396Thr (NM_001324402.2); short protein forms I826T, I844T, I396T.
Identifiers: ClinVar variation 1792706 (VCV001792706.2), dbSNP rs1794467654, ClinGen allele CA368983348.

ClinVar aggregate classification (germline): Uncertain significance (1 of 4 stars; one submission).

Conditions:
Hereditary cancer-predisposing syndrome. Also called: Tumor predisposition; Hereditary Cancer Syndrome; Neoplastic Syndromes, Hereditary; Hereditary neoplastic syndrome. Identifiers: Orphanet 140162, MedGen C0027672, MeSH D009386, MONDO:0015356.

Submission:

Ambry Genetics
Classification: Uncertain significance for Hereditary cancer-predisposing syndrome. Last evaluated: 2022-03-06. Review status: criteria provided, single submitter. Criteria: Ambry Variant Classification Scheme 2023. Collection method: clinical testing. Allele origin: germline.
Comment: The p.I844T variant (also known as c.2531T>C), located in coding exon 10 of the MET gene, results from a T to C substitution at nucleotide position 2531. The isoleucine at codon 844 is replaced by threonine, an amino acid with similar properties. This amino acid position is conserved. In addition, the in silico prediction for this alteration is inconclusive. Since supporting evidence is limited at this time, the clinical significance of this alteration remains unclear.